The following is an entry in ClinVar:

NM_000211.5(ITGB2):c.1319A>C (p.Gln440Pro)

Gene: ITGB2 (integrin subunit beta 2; minus strand). Cytogenetic location: 21q22.3.
Variant type: single nucleotide variant.
Coding change: c.1319A>C on transcript NM_000211.5 (MANE Select); coding-DNA position 1319, A replaced by C.
Protein change: p.Gln440Pro; replaces glutamine 440 with proline.
Molecular consequence: missense variant.
Genome position (GRCh38, 1-based): chr21:44,891,902, T>G on the plus strand (A>C on the coding strand, the complement: ITGB2 is on the minus strand). VCF-style: chr21-44891902-T-G. GRCh37 (hg19) VCF-style: chr21-46311817-T-G.
Other names: c.1319A>C, p.Gln440Pro (NM_001127491.3); c.1112A>C, p.Gln371Pro (NM_001303238.2); short protein forms Q371P, Q440P.
Identifiers: ClinVar variation 1921751 (VCV001921751.5), dbSNP rs1021483045, ClinGen allele CA321895984.

ClinVar aggregate classification (germline): Uncertain significance (1 of 4 stars; one submission).

Conditions:
Leukocyte adhesion deficiency 1 (LAD1). Also called: LEUKOCYTE ADHESION DEFICIENCY, TYPE I; LAD 1; Lymphocyte function-associated antigen 1 immunodeficiency; LFA 1 immunodeficiency. Identifiers: Orphanet 2968, Orphanet 99842, MedGen C0398738, MONDO:0007293, OMIM 116920.

gnomAD v4.1: 2 of 1,613,296 alleles (0.00012%); highest among the groups gnomAD compares: Admixed American, 0.0033%; no homozygotes.

Submission:

Labcorp Genetics (formerly Invitae), Labcorp
Classification: Uncertain significance for Leukocyte adhesion deficiency 1. Last evaluated: 2026-01-19. Review status: criteria provided, single submitter. Criteria: Invitae Variant Classification Sherloc (09022015). Collection method: clinical testing. Allele origin: germline.
Comment: This sequence change replaces glutamine, which is neutral and polar, with proline, which is neutral and non-polar, at codon 440 of the ITGB2 protein (p.Gln440Pro). This variant is present in population databases (no rsID available, gnomAD 0.006%). This variant has not been reported in the literature in individuals affected with ITGB2-related conditions. ClinVar contains an entry for this variant (Variation ID: 1921751). Invitae Evidence Modeling of protein sequence and biophysical properties (such as structural, functional, and spatial information, amino acid conservation, physicochemical variation, residue mobility, and thermodynamic stability) has been performed for this missense variant. However, the output from this modeling did not meet the statistical confidence thresholds required to predict the impact of this variant on ITGB2 protein function. In summary, the available evidence is currently insufficient to determine the role of this variant in disease. Therefore, it has been classified as a Variant of Uncertain Significance.